The following is an entry in ClinVar:

NM_003793.4(CTSF):c.160C>G (p.Arg54Gly)

Gene: CTSF (cathepsin F; minus strand). Cytogenetic location: 11q13.2.
Variant type: single nucleotide variant.
Coding change: c.160C>G on transcript NM_003793.4 (MANE Select); coding-DNA position 160, C replaced by G.
Protein change: p.Arg54Gly; replaces arginine 54 with glycine.
Molecular consequence: missense variant.
Genome position (GRCh38, 1-based): chr11:66,568,327, G>C on the plus strand (C>G on the coding strand, the complement: CTSF is on the minus strand). VCF-style: chr11-66568327-G-C. GRCh37 (hg19) VCF-style: chr11-66335798-G-C.
Other names: short protein forms R54G.
Identifiers: ClinVar variation 589113 (VCV000589113.7), dbSNP rs776443007, ClinGen allele CA224083358.

ClinVar aggregate classification (germline): Uncertain significance. Review status: criteria provided, multiple submitters, no conflicts (2 of 4 stars). 2 submissions from 2 submitters: Uncertain significance (2). Last evaluated 2026-06-18.

Conditions:
Inborn genetic diseases. Identifiers: MedGen C0950123, MeSH D030342.

Allele frequency attached by ClinVar (database versions not stated): TOPMed 0.00006.
gnomAD v4.1: 331 of 1,315,406 alleles (0.025%); highest among the groups gnomAD compares: Non-Finnish European, 0.03%; no homozygotes.

Submissions (2):

GeneDx
Classification: Uncertain significance. Last evaluated: 2026-06-18. Review status: criteria provided, single submitter. Criteria: GeneDx Variant Classification Process June 2021. Collection method: clinical testing. Allele origin: germline.
Comment: Not observed at significant frequency in large population cohorts (gnomAD); In silico analysis suggests that this missense variant does not alter protein structure/function; Has not been previously published as pathogenic or benign to our knowledge; This variant is associated with the following publications: (PMID: Dalmia2021[thesis])

Ambry Genetics
Classification: Uncertain significance for Inborn genetic diseases. Last evaluated: 2017-06-01. Review status: criteria provided, single submitter. Criteria: Ambry Variant Classification Scheme 2023. Collection method: clinical testing. Allele origin: germline.
Comment: The p.R54G variant (also known as c.160C>G), located in coding exon 1 of the CTSF gene, results from a C to G substitution at nucleotide position 160. The arginine at codon 54 is replaced by glycine, an amino acid with dissimilar properties. This amino acid position is well conserved in available vertebrate species. In addition, this alteration is predicted to be tolerated by in silico analysis. Since supporting evidence is limited at this time, the clinical significance of this alteration remains unclear.